The following is an entry in ClinVar:

NM_004859.4(CLTC):c.2540C>T (p.Ala847Val)

Gene: CLTC (clathrin heavy chain; plus strand). Cytogenetic location: 17q23.1.
Variant type: single nucleotide variant.
Coding change: c.2540C>T on transcript NM_004859.4 (MANE Select); coding-DNA position 2540, C replaced by T.
Protein change: p.Ala847Val; replaces alanine 847 with valine.
Molecular consequence: missense variant.
Genome position (GRCh38, 1-based): chr17:59,674,822, C>T. VCF-style: chr17-59674822-C-T. GRCh37 (hg19) VCF-style: chr17-57752183-C-T.
Other names: c.2552C>T, p.Ala851Val (NM_001288653.2); short protein forms A847V, A851V.
Identifiers: ClinVar variation 1327678 (VCV001327678.2), dbSNP rs2143575602, ClinGen allele CA400415577.
Genomic context (GRCh38, chr17:59,674,822, plus strand): 5'-ATGTCATAAAAAACTTGATTCTTGTTGTAAGAGGTCAATTCTCTACTGATGAGCTTGTTG[C>T]TGAGGTTGAAAAAAGAAACAGGTGTAGTACCATTTTAACAGGGATAAGTTACTCTTTCTT-3'
Protein context (NP_004850.1, residues 837-857): RGQFSTDELV[Ala847Val]EVEKRNRLKL

ClinVar aggregate classification (germline): Uncertain significance (1 of 4 stars; one submission).

Submission:

GeneDx
Classification: Uncertain significance. Last evaluated: 2021-04-30. Review status: criteria provided, single submitter. Criteria: GeneDx Variant Classification Process June 2021. Collection method: clinical testing. Allele origin: germline. Affected: yes.
Comment: Not observed in large population cohorts (Lek et al., 2016); In silico analysis supports that this missense variant does not alter protein structure/function; Has not been previously published as pathogenic or benign to our knowledge